The following is an entry in ClinVar:

NM_024589.3(ROGDI):c.532-4G>A

Gene: ROGDI (rogdi atypical leucine zipper; minus strand). Cytogenetic location: 16p13.3.
Variant type: single nucleotide variant.
Coding change: c.532-4G>A on transcript NM_024589.3 (MANE Select); 4 bases into the intron before coding-DNA position 532, G replaced by A.
Molecular consequence: intron variant.
Genome position (GRCh38, 1-based): chr16:4,798,188, C>T on the plus strand (G>A on the coding strand, the complement: ROGDI is on the minus strand). VCF-style: chr16-4798188-C-T. GRCh37 (hg19) VCF-style: chr16-4848189-C-T.
Identifiers: ClinVar variation 319403 (VCV000319403.52), dbSNP rs3747610, ClinGen allele CA7882653.

ClinVar aggregate classification (germline): Conflicting classifications of pathogenicity. Review status: criteria provided, conflicting classifications (1 of 4 stars). 5 submissions from 5 submitters: Uncertain significance (1); Benign (1); Likely benign (3). Last evaluated 2025-12-08.

Conditions:
Amelocerebrohypohidrotic syndrome (KTZS). Also called: KOHLSCHUTTER SYNDROME; EPILEPSY AND YELLOW TEETH; EPILEPSY, DEMENTIA, AND AMELOGENESIS IMPERFECTA; Kohlschutter's syndrome. Identifiers: Orphanet 1946, MedGen C0406740, MONDO:0009185, OMIM 226750.
ROGDI-related disorder. Also called: ROGDI-related condition.

Allele frequency attached by ClinVar (database versions not stated): ESP Exome Variant Server 0.00008; gnomAD 0.00017 and 0.00027; gnomAD exomes 0.00026 and 0.00053; TOPMed 0.00027; ExAC 0.00063; 1000 Genomes Project 30x 0.00141; 1000 Genomes Project 0.00160.
gnomAD v4.1: 415 of 1,611,786 alleles (0.026%); highest among the groups gnomAD compares: East Asian, 0.82%; 2 homozygotes.

Submissions (5):

Labcorp Genetics (formerly Invitae), Labcorp
Classification: Benign for Amelocerebrohypohidrotic syndrome. Last evaluated: 2025-12-08. Review status: criteria provided, single submitter. Criteria: Invitae Variant Classification Sherloc (09022015). Collection method: clinical testing. Allele origin: germline.

PreventionGenetics, part of Exact Sciences
Classification: Likely benign for ROGDI-related condition. Last evaluated: 2024-10-25. Review status: criteria provided, single submitter. Criteria: ACMG Guidelines, 2015. Collection method: clinical testing. Allele origin: germline.
Comment: This variant is classified as likely benign based on ACMG/AMP sequence variant interpretation guidelines (Richards et al. 2015 PMID: 25741868, with internal and published modifications).

CeGaT Center for Human Genetics Tuebingen
Classification: Likely benign. Last evaluated: 2021-06-01. Review status: criteria provided, single submitter. Criteria: CeGaT Center For Human Genetics Tuebingen Variant Classification Criteria Version 2. Collection method: clinical testing. Allele origin: germline. Affected: yes. Observed: 1 variant allele.

Center for Genomics, Ann and Robert H. Lurie Children's Hospital of Chicago
Classification: Uncertain significance for Amelocerebrohypohidrotic syndrome. Last evaluated: 2021-03-30. Review status: criteria provided, single submitter. Criteria: ACMG Guidelines, 2015. Collection method: clinical testing. Allele origin: germline.
Comment: ROGDI NM_024589.2 exon 8 c.532-4G>A: This variant has not been reported in the literature but is present in 0.6% (125/18632) of East Asian alleles in the Genome Aggregation Database. This variant is present in ClinVar (Variation ID:319403). Evolutionary conservation and computational predictive tools for this variant are limited or unavailable. Although this variant occurs in the splice region, computational prediction tools do not suggest that it may alter splicing. However, further studies are needed to understand its impact. In summary, data on this variant is insufficient for disease classification. Therefore, the clinical significance of this variant is uncertain.

Illumina Laboratory Services, Illumina
Classification: Likely benign for Kohlschutter syndrome. Last evaluated: 2018-01-12. Review status: criteria provided, single submitter. Criteria: ICSL Variant Classification Criteria 13 December 2019. Collection method: clinical testing. Allele origin: germline.
Comment: This variant was observed in the ICSL laboratory as part of a predisposition screen in an ostensibly healthy population. It had not been previously curated by ICSL or reported in the Human Gene Mutation Database (HGMD: prior to June 1st, 2018), and was therefore a candidate for classification through an automated scoring system. Utilizing variant allele frequency, disease prevalence and penetrance estimates, and inheritance mode, an automated score was calculated to assess if this variant is too frequent to cause the disease. Based on the score and internal cut-off values, a variant classified as likely benign is not then subjected to further curation. The score for this variant resulted in a classification of likely benign for this disease.